The following is an entry in ClinVar:

ClinVar aggregate classification (germline): Likely pathogenic (1 of 4 stars; one submission).

Submission:

GeneDx
Classification: Likely pathogenic. Last evaluated: 2018-01-02. Review status: criteria provided, single submitter. Criteria: GeneDx Variant Classification (06012015). Collection method: clinical testing. Allele origin: germline. Affected: yes.
Comment: The c.96_100delGAATG variant in the NDUFAF7 gene causes a frameshift starting with codon Asparagine, changes this amino acid to a Alanine residue and creates a premature Stop codon at position 35 of the new reading frame, denoted p.Asn33AlafsX35. This variant is predicted to cause loss of normal protein function either through protein truncation or nonsense-mediated mRNA decay. The c.96_100delGAATG variant is not observed in large population cohorts (Lek et al., 2016). Although this variant has not been previously reported to our knowledge, it is interpreted to be a likely pathogenic variant.

NM_144736.5(NDUFAF7):c.96_100del (p.Asn33fs)

Gene: NDUFAF7 (NADH:ubiquinone oxidoreductase complex assembly factor 7; plus strand). Cytogenetic location: 2p22.2.
Variant type: Deletion.
Coding change: c.96_100del on transcript NM_144736.5 (MANE Select); coding-DNA positions 96 to 100, 5 bases deleted (GAATG; older notation c.96_100delGAATG).
Protein change: p.Asn33fs; shifts the reading frame from asparagine 33.
Molecular consequence: frameshift variant. On other transcripts: non-coding transcript variant (10).
Genome position (GRCh38, 1-based): chr2:37,232,146-37,232,150, GAATG deleted; deleting any 5 consecutive bases within chr2:37,232,145-37,232,150 gives the same sequence; the c. name uses the placement nearest the transcript's 3' end. VCF-style (leftmost placement, unchanged base first): chr2-37232144-GGGAAT-G. GRCh37 (hg19) VCF-style: chr2-37459287-GGGAAT-G.
Other names: c.96_100del, p.Asn33fs (NM_001083946.2, NM_001350024.2, NM_001350025.2 and 1 more transcripts); short protein forms N33fs.
Identifiers: ClinVar variation 503927 (VCV000503927.2), dbSNP rs1553354119, ClinGen allele CA658795709.
Genomic context (GRCh38, chr2:37,232,144, plus strand): 5'-GTTTAATTTGTGTTTTTCGCAGCCATTCCTTTTATTTGGAGAGGGAAATACTTCAGCTCC[GGGAAT>G]GAGCCTGCAGAAAACCCGGTGACGCCGATGCTGCGGCATCTTATGTACAAAATAAAGTCT-3'